The following is an entry in ClinVar:

ClinVar aggregate classification (germline): Pathogenic. Review status: criteria provided, single submitter (1 of 4 stars). 2 submissions from 1 submitter: Pathogenic (2). Last evaluated 2021-08-31.

Conditions:
Van der Woude syndrome 1. Also called: CLEFT LIP AND/OR PALATE WITH MUCOUS CYSTS OF LOWER LIP; van der Woude Syndrome (VWS). Identifiers: MedGen C4551864, MONDO:0007333, OMIM 119300.
Orofacial cleft 6, susceptibility to (OFC6). Also called: CLEFT LIP WITH OR WITHOUT CLEFT PALATE, NONSYNDROMIC, 6. Identifiers: MedGen C1837213, MONDO:0012141, OMIM 608864.
Popliteal pterygium syndrome (PPS). Identifiers: Orphanet 294963, MedGen C0265259, MONDO:0017435.
Van der Woude syndrome. Identifiers: Orphanet 888, MedGen C0175697, MONDO:0019508.

Submissions (2):

Labcorp Genetics (formerly Invitae), Labcorp
Classification: Pathogenic for Orofacial cleft 6, susceptibility to; Van der Woude syndrome; Popliteal pterygium syndrome. Last evaluated: 2021-08-31. Review status: criteria provided, single submitter. Criteria: Invitae Variant Classification Sherloc (09022015). Collection method: clinical testing. Allele origin: germline.

Labcorp Genetics (formerly Invitae), Labcorp
Classification: Pathogenic for Van der Woude syndrome. Last evaluated: 2017-05-16. Review status: criteria provided, single submitter. Criteria: Invitae Variant Classification Sherloc (09022015). Collection method: clinical testing. Allele origin: germline.
Comment: This sequence change deletes 1 nucleotide from exon 9 of the IRF6 mRNA (c.1195delG), causing a frameshift at codon 399. This creates a premature translational stop signal in the last exon of the IRF6 mRNA (p.Ala399Leufs*3). While this is not anticipated to result in nonsense mediated decay, it is expected to disrupt the last 69 amino acids of the IRF6 protein. This variant has not been reported in the literature in individuals with a IRF6-related disease. A different truncation downstream of this variant (p.Arg412*) has been determined to be pathogenic, as it is one of the most common variants reported in individuals affected with Van der Woude syndrome (PMID: 12219090, 19282774, 23154523, 25784454). This suggests that deletion of this region of the IRF6 protein is causative of disease. For these reasons, this variant has been classified as Pathogenic.

NM_006147.4(IRF6):c.1195del (p.Ala399fs)

Gene: IRF6 (interferon regulatory factor 6; minus strand). Cytogenetic location: 1q32.2.
Variant type: Deletion.
Coding change: c.1195del on transcript NM_006147.4 (MANE Select); coding-DNA position 1195, one base deleted (G; older notation c.1195delG).
Protein change: p.Ala399fs; shifts the reading frame from alanine 399.
Molecular consequence: frameshift variant.
Genome position (GRCh38, 1-based): chr1:209,788,629, C deleted on the plus strand (G on the coding strand, the reverse complement: IRF6 is on the minus strand); the first of 2 consecutive C bases (chr1:209,788,629-209,788,630); deleting either gives the same sequence. VCF-style (leftmost placement, unchanged base first): chr1-209788628-GC-G. GRCh37 (hg19) VCF-style: chr1-209961973-GC-G.
Other names: c.910del, p.Ala304fs (NM_001206696.2); short protein forms A399fs, A304fs.
Identifiers: ClinVar variation 458680 (VCV000458680.5), dbSNP rs1553247602, ClinGen allele CA658655632.